The following is an entry in ClinVar:

NM_001371928.1(AHDC1):c.307G>A (p.Asp103Asn)

Gene: AHDC1 (AT-hook DNA binding motif containing 1; minus strand). Cytogenetic location: 1p36.11.
Variant type: single nucleotide variant.
Coding change: c.307G>A on transcript NM_001371928.1 (MANE Select); coding-DNA position 307, G replaced by A.
Protein change: p.Asp103Asn; replaces aspartic acid 103 with asparagine.
Molecular consequence: missense variant.
Genome position (GRCh38, 1-based): chr1:27,551,809, C>T on the plus strand (G>A on the coding strand, the complement: AHDC1 is on the minus strand). VCF-style: chr1-27551809-C-T. GRCh37 (hg19) VCF-style: chr1-27878320-C-T.
Other names: c.307G>A, p.Asp103Asn (NM_001029882.3); short protein forms D103N.
Identifiers: ClinVar variation 3683081 (VCV003683081.2).
Genomic context (GRCh38, chr1:27,551,809, plus strand): 5'-GCACCACTGGTCGCAGGTTCACCCGCCCGTTGTCCCAGCAGCGTCGGGAGCTGCTGCCGT[C>T]TCCGACCGGTGTGGGGCAGCGGGCCTGTGAGACAGGACGGGCTGCCCGTGGGGGCAGCGG-3'
Protein context (NP_001358857.1, residues 93-113): SQARCPTPVG[Asp103Asn]GSSSRRCWDN

ClinVar aggregate classification (germline): Uncertain significance (1 of 4 stars; one submission).

Submission:

Labcorp Genetics (formerly Invitae), Labcorp
Classification: Uncertain significance. Last evaluated: 2024-03-17. Review status: criteria provided, single submitter. Criteria: Invitae Variant Classification Sherloc (09022015). Collection method: clinical testing. Allele origin: germline.
Comment: This sequence change replaces aspartic acid, which is acidic and polar, with asparagine, which is neutral and polar, at codon 103 of the AHDC1 protein (p.Asp103Asn). This variant is not present in population databases (gnomAD no frequency). This variant has not been reported in the literature in individuals affected with AHDC1-related conditions. An algorithm developed to predict the effect of missense changes on protein structure and function (PolyPhen-2) suggests that this variant is likely to be disruptive. In summary, the available evidence is currently insufficient to determine the role of this variant in disease. Therefore, it has been classified as a Variant of Uncertain Significance.